The following is an entry in ClinVar:

NM_001040108.2(MLH3):c.2702A>G (p.Asn901Ser)

Gene: MLH3 (mutL homolog 3; minus strand). Cytogenetic location: 14q24.3.
Variant type: single nucleotide variant.
Coding change: c.2702A>G on transcript NM_001040108.2 (MANE Select); coding-DNA position 2702, A replaced by G.
Protein change: p.Asn901Ser; replaces asparagine 901 with serine.
Molecular consequence: missense variant.
Genome position (GRCh38, 1-based): chr14:75,046,954, T>C on the plus strand (A>G on the coding strand, the complement: MLH3 is on the minus strand). VCF-style: chr14-75046954-T-C. GRCh37 (hg19) VCF-style: chr14-75513657-T-C.
Other names: c.2702A>G, p.Asn901Ser (NM_014381.3); short protein forms N901S.
Identifiers: ClinVar variation 1794942 (VCV001794942.12), dbSNP rs765659454, ClinGen allele CA7275653.

ClinVar aggregate classification (germline): Uncertain significance. Review status: criteria provided, multiple submitters, no conflicts (2 of 4 stars). 3 submissions from 3 submitters: Uncertain significance (3). Last evaluated 2025-08-30.

Conditions:
Colorectal cancer, hereditary nonpolyposis, type 7. Identifiers: Orphanet 144, MedGen C1858380, MONDO:0013725, OMIM 614385.

Allele frequency attached by ClinVar (database versions not stated): gnomAD exomes below 0.00001; ExAC 0.00001; gnomAD 0.00001; TOPMed 0.00001.
gnomAD v4.1: 7 of 1,614,058 alleles (0.00043%); highest among the groups gnomAD compares: Non-Finnish European, 0.00051%; no homozygotes.

Submissions (3):

Ambry Genetics
Classification: Uncertain significance. Last evaluated: 2025-08-30. Review status: criteria provided, single submitter. Criteria: Ambry Variant Classification Scheme 2023. Collection method: clinical testing. Allele origin: germline.
Comment: The p.N901S variant (also known as c.2702A>G), located in coding exon 1 of the MLH3 gene, results from an A to G substitution at nucleotide position 2702. The asparagine at codon 901 is replaced by serine, an amino acid with highly similar properties. This amino acid position is conserved. In addition, this alteration is predicted to be tolerated by in silico analysis. Since supporting evidence is limited at this time, the clinical significance of this alteration remains unclear.

Center for Genomic Medicine, Rigshospitalet, Copenhagen University Hospital
Classification: Uncertain significance. Last evaluated: 2025-03-04. Review status: criteria provided, single submitter. Criteria: ACMG Guidelines, 2015. Collection method: clinical testing. Allele origin: germline.

Labcorp Genetics (formerly Invitae), Labcorp
Classification: Uncertain significance for Colorectal cancer, hereditary nonpolyposis, type 7. Last evaluated: 2023-08-03. Review status: criteria provided, single submitter. Criteria: Invitae Variant Classification Sherloc (09022015). Collection method: clinical testing. Allele origin: germline.
Comment: In summary, the available evidence is currently insufficient to determine the role of this variant in disease. Therefore, it has been classified as a Variant of Uncertain Significance. An algorithm developed to predict the effect of missense changes on protein structure and function (PolyPhen-2) suggests that this variant is likely to be tolerated. ClinVar contains an entry for this variant (Variation ID: 1794942). This variant has not been reported in the literature in individuals affected with MLH3-related conditions. This variant is present in population databases (rs765659454, gnomAD 0.002%). This sequence change replaces asparagine, which is neutral and polar, with serine, which is neutral and polar, at codon 901 of the MLH3 protein (p.Asn901Ser).